The following is an entry in ClinVar:

ClinVar aggregate classification (germline): Likely benign (1 of 4 stars; one submission).

Conditions:
Hypertrophic cardiomyopathy. Also called: HYPERTROPHIC MYOCARDIOPATHY. Identifiers: Orphanet 217569, MedGen C0007194, MeSH D002312, MONDO:0005045, HP:0001639.

Allele frequency attached by ClinVar (database versions not stated): gnomAD exomes below 0.00001; TOPMed below 0.00001.
gnomAD v4.1: 1 of 1,609,952 alleles (0.000062%); highest among the groups gnomAD compares: Non-Finnish European, 0.000085%; no homozygotes.

Submission:

All of Us Research Program, National Institutes of Health
Classification: Likely benign for Hypertrophic cardiomyopathy. Last evaluated: 2023-06-08. Review status: criteria provided, single submitter. Criteria: ACMG Guidelines, 2015. Collection method: clinical testing. Allele origin: germline. Inheritance: Autosomal dominant inheritance. Observed: 1 variant allele, 1 heterozygote.
Comment: This study involves interpretation of variants in research participants for the purpose of population health screening. Participant phenotype was not available at the time of variant classification. Additional details can be found in publication PMID: 35346344, PMCID: PMC8962531

NM_000256.3(MYBPC3):c.3815-15C>T

Gene: MYBPC3 (myosin binding protein C3; minus strand). Cytogenetic location: 11p11.2.
Variant type: single nucleotide variant.
Coding change: c.3815-15C>T on transcript NM_000256.3 (MANE Select); 15 bases into the intron before coding-DNA position 3815, C replaced by T.
Molecular consequence: intron variant.
Genome position (GRCh38, 1-based): chr11:47,331,896, G>A on the plus strand (C>T on the coding strand, the complement: MYBPC3 is on the minus strand). VCF-style: chr11-47331896-G-A. GRCh37 (hg19) VCF-style: chr11-47353447-G-A.
Identifiers: ClinVar variation 3071657 (VCV003071657.1), dbSNP rs2095876675, ClinGen allele CA1969333001.